The following is an entry in ClinVar:

NM_000642.3(AGL):c.1183C>T (p.Gln395Ter)

Gene: AGL (amylo-alpha-1,6-glucosidase and 4-alpha-glucanotransferase; plus strand). Cytogenetic location: 1p21.2.
Variant type: single nucleotide variant.
Coding change: c.1183C>T on transcript NM_000642.3 (MANE Select); coding-DNA position 1183, C replaced by T.
Protein change: p.Gln395Ter; replaces glutamine 395 with a stop codon.
Molecular consequence: nonsense.
Genome position (GRCh38, 1-based): chr1:99,875,254, C>T. VCF-style: chr1-99875254-C-T. GRCh37 (hg19) VCF-style: chr1-100340810-C-T.
Other names: c.1183C>T (NM_000642.2); c.1183C>T, p.Gln395Ter (NM_000028.3, NM_000643.3, NM_000644.3 and 2 more transcripts); c.1135C>T, p.Gln379Ter (NM_000646.3); c.979C>T, p.Gln327Ter (NM_001425328.1, NM_001425329.1); c.805C>T, p.Gln269Ter (NM_001425332.1); short protein forms Q327*, Q379*, Q395*, Q269*.
Identifiers: ClinVar variation 2915339 (VCV002915339.4), dbSNP rs2524600117, ClinGen allele CA341344961.

ClinVar aggregate classification (germline): Pathogenic. Review status: criteria provided, multiple submitters, no conflicts (2 of 4 stars). 2 submissions from 2 submitters: Pathogenic (2). Last evaluated 2025-11-24.

Conditions:
Glycogen storage disease type III (GSD3). Also called: FORBES DISEASE; Cori disease. Identifiers: Orphanet 366, MedGen C0017922, MONDO:0009291, OMIM 232400.

Allele frequency attached by ClinVar (database versions not stated): gnomAD exomes below 0.00001.
gnomAD v4.1: 1 of 1,613,668 alleles (0.000062%); highest among the groups gnomAD compares: African/African-American, 0.0013%; no homozygotes.

Submissions (2):

Natera, Inc.
Classification: Pathogenic for Glycogen storage disease type III. Last evaluated: 2025-11-24. Review status: criteria provided, single submitter. Criteria: Natera Variant Classification Schema (03/2026). Collection method: clinical testing. Allele origin: germline.
Comment: The c.1183C>T variant in AGL is a nonsense variant predicted to introduce a stop codon at amino acid 395. This variant is expected to result in nonsense mediated decay, truncation, or a dysfunctional protein product. This variant is rare in the general population with a frequency below the threshold expected for the associated phenotype(s). This variant has been observed in one or more individuals affected with the associated recessive disease, as either homozygous or compound heterozygous with a second variant (PMID: 29794575). Given the available evidence, this variant is classified as Pathogenic.

Labcorp Genetics (formerly Invitae), Labcorp
Classification: Pathogenic for Glycogen storage disease type III. Last evaluated: 2023-04-28. Review status: criteria provided, single submitter. Criteria: Invitae Variant Classification Sherloc (09022015). Collection method: clinical testing. Allele origin: germline.
Comment: This sequence change creates a premature translational stop signal (p.Gln395*) in the AGL gene. It is expected to result in an absent or disrupted protein product. Loss-of-function variants in AGL are known to be pathogenic (PMID: 19299494). This variant is not present in population databases (gnomAD no frequency). This premature translational stop signal has been observed in individual(s) with glycogen storage disease (PMID: 29794575). Algorithms developed to predict the effect of sequence changes on RNA splicing suggest that this variant may disrupt the consensus splice site. For these reasons, this variant has been classified as Pathogenic.

Literature cited by the submitters: PubMed 29794575 (cited by Natera, Inc. and Labcorp Genetics (formerly Invitae), Labcorp); PubMed 19299494 (cited by Labcorp Genetics (formerly Invitae), Labcorp).